The following is an entry in ClinVar:

NM_001001563.3(TIMM50):c.257del

Gene: TIMM50 (translocase of inner mitochondrial membrane 50; plus strand). Cytogenetic location: 19q13.2.
Variant type: Deletion.
Coding change: c.257del on transcript NM_001001563.3; coding-DNA position 257, one base deleted (C; older notation c.257delC).
Genome position (GRCh38, 1-based): chr19:39,480,801, C deleted; the last of 3 consecutive C bases (chr19:39,480,799-39,480,801); deleting any one gives the same sequence. VCF-style (leftmost placement, unchanged base first): chr19-39480798-GC-G. GRCh37 (hg19) VCF-style: chr19-39971438-GC-G.
Identifiers: ClinVar variation 4976552 (VCV004976552.1).
Genomic context (GRCh38, chr19:39,480,798, plus strand): 5'-GTCTCTCTCGGGCTTCCGTCCACCCGCCCCTCCCCCGCGTTTCCATTGGCTGTAGCTCCG[GC>G]CCGGGGCGGGCGAAGAGGGAGCGAGTGGGCGGGGCCGCGTGGCGTCAGCGCAAGATGGCG-3'

ClinVar aggregate classification (germline): Uncertain significance (1 of 4 stars; one submission).

Submission:

GeneDx
Classification: Uncertain significance. Last evaluated: 2026-02-17. Review status: criteria provided, single submitter. Criteria: GeneDx Variant Classification Process June 2021. Collection method: clinical testing. Allele origin: germline.
Comment: Not observed at significant frequency in large population cohorts (gnomAD); Has not been previously published as pathogenic or benign to our knowledge; Frameshift variant predicted to result in protein truncation or nonsense mediated decay in a gene for which loss of function is not an established mechanism of disease